The following is an entry in ClinVar:

ClinVar aggregate classification (germline): Uncertain significance (1 of 4 stars; one submission).

Conditions:
Epileptic encephalopathy. Identifiers: MedGen C0543888, HP:0200134.

Submission:

Labcorp Genetics (formerly Invitae), Labcorp
Classification: Uncertain significance for Epileptic encephalopathy. Last evaluated: 2022-02-03. Review status: criteria provided, single submitter. Criteria: Invitae Variant Classification Sherloc (09022015). Collection method: clinical testing. Allele origin: germline.
Comment: In summary, the available evidence is currently insufficient to determine the role of this variant in disease. Therefore, it has been classified as a Variant of Uncertain Significance. Algorithms developed to predict the effect of sequence changes on RNA splicing suggest that this variant may disrupt the consensus splice site. ClinVar contains an entry for this variant (Variation ID: 955917). This variant has not been reported in the literature in individuals affected with RYR3-related conditions. This variant is not present in population databases (gnomAD no frequency). This sequence change affects an acceptor splice site in intron 83 of the RYR3 gene. It is expected to disrupt RNA splicing. Variants that disrupt the donor or acceptor splice site typically lead to a loss of protein function (PMID: 16199547), however the current clinical and genetic evidence is not sufficient to establish whether loss-of-function variants in RYR3 cause disease.

Literature cited by the submitters: PubMed 16199547.

NM_001036.6(RYR3):c.11165-1G>A

Gene: RYR3 (ryanodine receptor 3; plus strand). Cytogenetic location: 15q14.
Variant type: single nucleotide variant.
Coding change: c.11165-1G>A on transcript NM_001036.6 (MANE Select); the canonical splice acceptor site of the intron before coding-DNA position 11165, G replaced by A.
Molecular consequence: splice acceptor variant.
Genome position (GRCh38, 1-based): chr15:33,826,671, G>A. VCF-style: chr15-33826671-G-A. GRCh37 (hg19) VCF-style: chr15-34118872-G-A.
Other names: c.11150-1G>A (NM_001243996.4).
Identifiers: ClinVar variation 955917 (VCV000955917.8), dbSNP rs2077393995, ClinGen allele CA391588953.